The following is an entry in ClinVar:

NM_002234.4(KCNA5):c.449C>T (p.Ala150Val)

Gene: KCNA5 (potassium voltage-gated channel subfamily A member 5; plus strand). Cytogenetic location: 12p13.32.
Variant type: single nucleotide variant.
Coding change: c.449C>T on transcript NM_002234.4 (MANE Select); coding-DNA position 449, C replaced by T.
Protein change: p.Ala150Val; replaces alanine 150 with valine.
Molecular consequence: missense variant.
Genome position (GRCh38, 1-based): chr12:5,044,596, C>T. VCF-style: chr12-5044596-C-T. GRCh37 (hg19) VCF-style: chr12-5153762-C-T.
Other names: short protein forms A150V.
Identifiers: ClinVar variation 930576 (VCV000930576.3), dbSNP rs1862749143, ClinGen allele CA383464454.

ClinVar aggregate classification (germline): Uncertain significance (1 of 4 stars; one submission).

Conditions:
Atrial fibrillation, familial, 7 (ATFB7). Identifiers: MedGen C2677106, MONDO:0012828, OMIM 612240.

Submission:

Centre for Mendelian Genomics, University Medical Centre Ljubljana
Classification: Uncertain significance for Atrial fibrillation, familial, 7. Last evaluated: 2019-10-07. Review status: criteria provided, single submitter. Criteria: ACMG Guidelines, 2015. Collection method: clinical testing. Allele origin: unknown. Affected: yes.
Comment: This variant was classified as: Uncertain significance. The available evidence on this variant's pathogenicity is insufficient or conflicting. The following ACMG criteria were applied in classifying this variant: PM2,BP4.